The following is an entry in ClinVar:

NM_001039141.3(TRIOBP):c.5052G>T (p.Thr1684=)

Gene: TRIOBP (TRIO and F-actin binding protein; plus strand). Cytogenetic location: 22q13.1.
Variant type: single nucleotide variant.
Coding change: c.5052G>T on transcript NM_001039141.3 (MANE Select); coding-DNA position 5052, G replaced by T.
Protein change: p.Thr1684=; no amino-acid change (threonine 1684 retained).
Molecular consequence: synonymous variant.
Genome position (GRCh38, 1-based): chr22:37,735,388, G>T. VCF-style: chr22-37735388-G-T. GRCh37 (hg19) VCF-style: chr22-38131395-G-T.
Identifiers: ClinVar variation 43858 (VCV000043858.37), dbSNP rs41283241, ClinGen allele CA133040.
Genomic context (GRCh38, chr22:37,735,388, plus strand): 5'-GCCAAAGATCAAAGTGACAAGAGGACCAGCGACCGCAACTCTGGCAGGCCTGGAGCAGAC[G>T]GGCCCCCTGGGGAGCAGGAGCACTGCGAAGGGCCCCAGCTTGCCAGAGCTGCAGGTAAGG-3'
Protein context (NP_001034230.1, residues 1674-1694): ATATLAGLEQ[Thr1684=]GPLGSRSTAK

ClinVar aggregate classification (germline): Benign. Review status: criteria provided, multiple submitters, no conflicts (2 of 4 stars). 5 submissions from 5 submitters: Benign (5). Last evaluated 2026-07-01.

Allele frequency attached by ClinVar (database versions not stated): 1000 Genomes Project 30x 0.00593; TOPMed 0.00723; gnomAD 0.00539; 1000 Genomes Project 0.00579; ESP Exome Variant Server 0.00704.
gnomAD v4.1: 12,205 of 1,603,936 alleles (0.76%); highest among the groups gnomAD compares: Middle Eastern, 1.3%; 54 homozygotes.

Submissions (5):

CeGaT Center for Human Genetics Tuebingen
Classification: Benign. Last evaluated: 2026-07-01. Review status: criteria provided, single submitter. Criteria: CeGaT Center For Human Genetics Tuebingen Variant Classification Criteria Version 2. Collection method: clinical testing. Allele origin: germline. Affected: yes. Observed: 17 variant alleles.
Comment: TRIOBP: BP4, BP7, BS1, BS2

Labcorp Genetics (formerly Invitae), Labcorp
Classification: Benign. Last evaluated: 2026-01-18. Review status: criteria provided, single submitter. Criteria: Invitae Variant Classification Sherloc (09022015). Collection method: clinical testing. Allele origin: germline.

GeneDx
Classification: Benign. Last evaluated: 2018-08-14. Review status: criteria provided, single submitter. Criteria: GeneDx Variant Classification Process June 2021. Collection method: clinical testing. Allele origin: germline. Affected: yes.

Laboratory for Molecular Medicine, Mass General Brigham Personalized Medicine
Classification: Benign. Last evaluated: 2012-04-30. Review status: criteria provided, single submitter. Criteria: LMM Criteria. Collection method: clinical testing. Allele origin: germline. Observed: 18 variant alleles.
Comment: Thr1684Thr in Exon 09 of TRIOBP: This variant is not expected to have clinical s ignificance because it does not alter an amino acid residue, is not located with in the splice consensus sequence, and has been identified in 1.0% (67/6622) of E uropean American chromosomes from a broad population by the NHLBI Exome Sequenci ng Project (dbSNP rs41283241).

Breakthrough Genomics
Classification: Benign. Review status: criteria provided, single submitter. Criteria: ACMG Guidelines, 2015. Collection method: not provided. Allele origin: germline. Inheritance: Autosomal recessive inheritance. Affected: yes.